The following is an entry in ClinVar:

NM_003072.5(SMARCA4):c.1476C>T (p.Ser492=)

Gene: SMARCA4 (SWI/SNF related BAF chromatin remodeling complex subunit ATPase 4; plus strand). Cytogenetic location: 19p13.2.
Variant type: single nucleotide variant.
Coding change: c.1476C>T on transcript NM_003072.5 (MANE Select); coding-DNA position 1476, C replaced by T.
Protein change: p.Ser492=; no amino-acid change (serine 492 retained).
Molecular consequence: synonymous variant. On other transcripts: non-coding transcript variant (1).
Genome position (GRCh38, 1-based): chr19:10,994,884, C>T. VCF-style: chr19-10994884-C-T. GRCh37 (hg19) VCF-style: chr19-11105560-C-T.
Other names: c.1476C>T, p.Ser492= (NM_001128844.3, NM_001128845.2, NM_001128846.2 and 5 more transcripts).
Identifiers: ClinVar variation 238378 (VCV000238378.22), dbSNP rs528531511, ClinGen allele CA9203790.
Genomic context (GRCh38, chr19:10,994,884, plus strand): 5'-GCAGGAATACCTCAATAGCATTCTCCAGCATGCCAAGGATTTCAAGGAATATCACAGATC[C>T]GTCACAGGCAAAATCCAGAAGCTGACCAAGGCAGTGGCCACGTACCATGCCAACACGGAG-3'
Protein context (NP_003063.2, residues 482-502): HAKDFKEYHR[Ser492=]VTGKIQKLTK

ClinVar aggregate classification (germline): Benign/Likely benign. Review status: criteria provided, multiple submitters, no conflicts (2 of 4 stars). 7 submissions from 7 submitters: Benign (1); Likely benign (5). 1 of the submissions does not count toward it. Last evaluated 2026-08-01.

Conditions:
SMARCA4-related disorder. Also called: SMARCA4-related condition.
Hereditary cancer-predisposing syndrome. Also called: Hereditary Cancer Syndrome; Tumor predisposition; Hereditary neoplastic syndrome; Neoplastic Syndromes, Hereditary. Identifiers: Orphanet 140162, MedGen C0027672, MeSH D009386, MONDO:0015356.
Rhabdoid tumor predisposition syndrome 2 (RTPS2). Identifiers: Orphanet 231108, Orphanet 69077, MedGen C2750074, MONDO:0013224, OMIM 613325.

Allele frequency attached by ClinVar (database versions not stated): TOPMed 0.00001; 1000 Genomes Project 30x 0.00031; ExAC 0.00006; 1000 Genomes Project 0.00020; gnomAD 0.00002 and 0.00001.
gnomAD v4.1: 61 of 1,614,034 alleles (0.0038%); highest among the groups gnomAD compares: East Asian, 0.049%; no homozygotes.

Submissions (7):

CeGaT Center for Human Genetics Tuebingen
Classification: Likely benign. Last evaluated: 2026-08-01. Review status: criteria provided, single submitter. Criteria: CeGaT Center For Human Genetics Tuebingen Variant Classification Criteria Version 2. Collection method: clinical testing. Allele origin: germline. Affected: yes. Observed: 1 variant allele.
Comment: SMARCA4: BP4, BP7

Myriad Genetics, Inc.
Classification: Benign for Rhabdoid tumor predisposition syndrome 2. Last evaluated: 2026-07-10. Review status: criteria provided, single submitter. Criteria: Myriad Autosomal Dominant, Autosomal Recessive and X-Linked Classification Criteria (2023). Collection method: clinical testing. Allele origin: unknown.
Comment: This variant is considered benign. This variant is a silent/synonymous amino acid change and it is not expected to impact splicing.

Labcorp Genetics (formerly Invitae), Labcorp
Classification: Likely benign for Rhabdoid tumor predisposition syndrome 2. Last evaluated: 2025-12-22. Review status: criteria provided, single submitter. Criteria: Invitae Variant Classification Sherloc (09022015). Collection method: clinical testing. Allele origin: germline.

Quest Diagnostics Nichols Institute San Juan Capistrano
Classification: Likely benign. Last evaluated: 2023-06-12. Review status: criteria provided, single submitter. Criteria: Quest Diagnostics criteria. Collection method: clinical testing. Allele origin: unknown.

Sema4
Classification: Likely benign for Hereditary cancer-predisposing syndrome. Last evaluated: 2021-07-26. Review status: criteria provided, single submitter. Criteria: Sema4 Curation Guidelines. Collection method: curation. Allele origin: germline.

Ambry Genetics
Classification: Likely benign for Hereditary cancer-predisposing syndrome. Last evaluated: 2015-09-13. Review status: criteria provided, single submitter. Criteria: Ambry Variant Classification Scheme 2023. Collection method: clinical testing. Allele origin: germline.

PreventionGenetics, part of Exact Sciences
Classification: Likely benign for SMARCA4-related condition. Last evaluated: 2020-08-04. Review status: no assertion criteria provided. Collection method: clinical testing. Allele origin: germline. Not counted in ClinVar's aggregate classification.
Comment: This variant is classified as likely benign based on ACMG/AMP sequence variant interpretation guidelines (Richards et al. 2015 PMID: 25741868, with internal and published modifications).